The following is an entry in ClinVar:

NM_000538.4(RFXAP):c.358G>A (p.Gly120Ser)

Gene: RFXAP (regulatory factor X associated protein; plus strand). Cytogenetic location: 13q13.3.
Variant type: single nucleotide variant.
Coding change: c.358G>A on transcript NM_000538.4 (MANE Select); coding-DNA position 358, G replaced by A.
Protein change: p.Gly120Ser; replaces glycine 120 with serine.
Molecular consequence: missense variant.
Genome position (GRCh38, 1-based): chr13:36,819,715, G>A. VCF-style: chr13-36819715-G-A. GRCh37 (hg19) VCF-style: chr13-37393852-G-A.
Other names: short protein forms G120S.
Identifiers: ClinVar variation 1715317 (VCV001715317.6), dbSNP rs1206003150, ClinGen allele CA387854913.

ClinVar aggregate classification (germline): Uncertain significance. Review status: criteria provided, multiple submitters, no conflicts (2 of 4 stars). 2 submissions from 2 submitters: Uncertain significance (2). Last evaluated 2025-10-30.

Conditions:
MHC class II deficiency. Also called: Bare lymphocyte syndrome 2; BLS, TYPE II. Identifiers: Orphanet 572, MedGen C5447452, MONDO:0008855.

Allele frequency attached by ClinVar (database versions not stated): TOPMed below 0.00001.

Submissions (2):

Ambry Genetics
Classification: Uncertain significance. Last evaluated: 2025-10-30. Review status: criteria provided, single submitter. Criteria: Ambry Variant Classification Scheme 2023. Collection method: clinical testing. Allele origin: germline.

Labcorp Genetics (formerly Invitae), Labcorp
Classification: Uncertain significance for MHC class II deficiency. Last evaluated: 2022-07-15. Review status: criteria provided, single submitter. Criteria: Invitae Variant Classification Sherloc (09022015). Collection method: clinical testing. Allele origin: germline.
Comment: In summary, the available evidence is currently insufficient to determine the role of this variant in disease. Therefore, it has been classified as a Variant of Uncertain Significance. Algorithms developed to predict the effect of missense changes on protein structure and function are either unavailable or do not agree on the potential impact of this missense change (SIFT: "Tolerated"; PolyPhen-2: "Probably Damaging"; Align-GVGD: "Class C0"). This variant has not been reported in the literature in individuals affected with RFXAP-related conditions. This variant is present in population databases (no rsID available, gnomAD 0.007%). This sequence change replaces glycine, which is neutral and non-polar, with serine, which is neutral and polar, at codon 120 of the RFXAP protein (p.Gly120Ser).